The following is an entry in ClinVar:

NM_001365999.1(SZT2):c.4571C>A (p.Ala1524Asp)

Gene: SZT2 (SZT2 subunit of KICSTOR complex; plus strand). Cytogenetic location: 1p34.2.
Variant type: single nucleotide variant.
Coding change: c.4571C>A on transcript NM_001365999.1 (MANE Select); coding-DNA position 4571, C replaced by A.
Protein change: p.Ala1524Asp; replaces alanine 1524 with aspartic acid.
Molecular consequence: missense variant.
Genome position (GRCh38, 1-based): chr1:43,430,586, C>A. VCF-style: chr1-43430586-C-A. GRCh37 (hg19) VCF-style: chr1-43896257-C-A.
Other names: c.4400C>A, p.Ala1467Asp (NM_015284.4); short protein forms A1467D, A1524D.
Identifiers: ClinVar variation 2078660 (VCV002078660.7), dbSNP rs763423742, ClinGen allele CA809329.
Genomic context (GRCh38, chr1:43,430,586, plus strand): 5'-AGAGTGACCCAGAGCTAGAGGTAGAATACCGGGAGAGCCGTGAATCAGACCTGGGGCCTG[C>A]TGGGCTAGACTCTGCCTCGCTGTCAGACGTAGACACTGTGAATCCTGATGAAGACTCCTT-3'
Protein context (NP_001352928.1, residues 1514-1534): RESRESDLGP[Ala1524Asp]GLDSASLSDV

ClinVar aggregate classification (germline): Uncertain significance. Review status: criteria provided, multiple submitters, no conflicts (2 of 4 stars). 3 submissions from 3 submitters: Uncertain significance (3). Last evaluated 2025-09-09.

Conditions:
Inborn genetic diseases. Identifiers: MedGen C0950123, MeSH D030342.
Developmental and epileptic encephalopathy, 18 (DEE18). Also called: Early infantile epileptic encephalopathy 18. Identifiers: Orphanet 369894, MedGen C3809624, MONDO:0014201, OMIM 615476.

Allele frequency attached by ClinVar (database versions not stated): ExAC 0.00001; gnomAD 0.00003; gnomAD exomes 0.00002.
gnomAD v4.1: 32 of 1,614,174 alleles (0.002%); highest among the groups gnomAD compares: South Asian, 0.035%; 2 homozygotes.

Submissions (3):

Ambry Genetics
Classification: Uncertain significance for Inborn genetic diseases. Last evaluated: 2025-09-09. Review status: criteria provided, single submitter. Criteria: Ambry Variant Classification Scheme 2023. Collection method: clinical testing. Allele origin: germline.

Labcorp Genetics (formerly Invitae), Labcorp
Classification: Uncertain significance. Last evaluated: 2023-11-27. Review status: criteria provided, single submitter. Criteria: Invitae Variant Classification Sherloc (09022015). Collection method: clinical testing. Allele origin: germline.
Comment: This sequence change replaces alanine, which is neutral and non-polar, with aspartic acid, which is acidic and polar, at codon 1467 of the SZT2 protein (p.Ala1467Asp). This variant is present in population databases (rs763423742, gnomAD 0.02%). This variant has not been reported in the literature in individuals affected with SZT2-related conditions. ClinVar contains an entry for this variant (Variation ID: 2078660). An algorithm developed to predict the effect of missense changes on protein structure and function (PolyPhen-2) suggests that this variant is likely to be tolerated. In summary, the available evidence is currently insufficient to determine the role of this variant in disease. Therefore, it has been classified as a Variant of Uncertain Significance.

Genome-Nilou Lab
Classification: Uncertain significance for Developmental and epileptic encephalopathy, 18. Last evaluated: 2023-04-11. Review status: criteria provided, single submitter. Criteria: ACMG Guidelines, 2015. Collection method: clinical testing. Allele origin: germline. Affected: no.